The following is an entry in ClinVar:

NM_000057.4(BLM):c.2207A>G (p.Tyr736Cys)

Gene: BLM (BLM RecQ like helicase; plus strand). Cytogenetic location: 15q26.1.
Variant type: single nucleotide variant.
Coding change: c.2207A>G on transcript NM_000057.4 (MANE Select); coding-DNA position 2207, A replaced by G.
Protein change: p.Tyr736Cys; replaces tyrosine 736 with cysteine.
Molecular consequence: missense variant.
Genome position (GRCh38, 1-based): chr15:90,766,923, A>G. VCF-style: chr15-90766923-A-G. GRCh37 (hg19) VCF-style: chr15-91310153-A-G.
Other names: c.2207A>G, p.Tyr736Cys (NM_001287246.2, NM_001287247.2); c.1082A>G, p.Tyr361Cys (NM_001287248.2); short protein forms Y736C, Y361C.
Identifiers: ClinVar variation 663818 (VCV000663818.10), dbSNP rs781008303, ClinGen allele CA7738698.

ClinVar aggregate classification (germline): Uncertain significance. Review status: criteria provided, multiple submitters, no conflicts (2 of 4 stars). 2 submissions from 2 submitters: Uncertain significance (2). Last evaluated 2024-12-22.

Conditions:
Hereditary cancer-predisposing syndrome. Also called: Neoplastic Syndromes, Hereditary; Tumor predisposition; Hereditary neoplastic syndrome; Hereditary Cancer Syndrome. Identifiers: Orphanet 140162, MedGen C0027672, MeSH D009386, MONDO:0015356.
Bloom syndrome (BLM). Also called: Bloom-Torre-Machacek syndrome. Identifiers: Orphanet 125, MedGen C0005859, MONDO:0008876, OMIM 210900.

Allele frequency attached by ClinVar (database versions not stated): gnomAD exomes below 0.00001; TOPMed below 0.00001; ExAC 0.00001; gnomAD 0.00001.
gnomAD v4.1: 5 of 1,591,260 alleles (0.00031%); highest among the groups gnomAD compares: South Asian, 0.0044%; no homozygotes.

Submissions (2):

Labcorp Genetics (formerly Invitae), Labcorp
Classification: Uncertain significance for Bloom syndrome. Last evaluated: 2024-12-22. Review status: criteria provided, single submitter. Criteria: Invitae Variant Classification Sherloc (09022015). Collection method: clinical testing. Allele origin: germline.
Comment: This sequence change replaces tyrosine, which is neutral and polar, with cysteine, which is neutral and slightly polar, at codon 736 of the BLM protein (p.Tyr736Cys). This variant is present in population databases (rs781008303, gnomAD 0.003%). This variant has not been reported in the literature in individuals affected with BLM-related conditions. ClinVar contains an entry for this variant (Variation ID: 663818). Invitae Evidence Modeling of protein sequence and biophysical properties (such as structural, functional, and spatial information, amino acid conservation, physicochemical variation, residue mobility, and thermodynamic stability) indicates that this missense variant is not expected to disrupt BLM protein function with a negative predictive value of 80%. In summary, the available evidence is currently insufficient to determine the role of this variant in disease. Therefore, it has been classified as a Variant of Uncertain Significance.

Ambry Genetics
Classification: Uncertain significance for Hereditary cancer-predisposing syndrome. Last evaluated: 2024-01-16. Review status: criteria provided, single submitter. Criteria: Ambry Variant Classification Scheme 2023. Collection method: clinical testing. Allele origin: germline.
Comment: The p.Y736C variant (also known as c.2207A>G), located in coding exon 9 of the BLM gene, results from an A to G substitution at nucleotide position 2207. The tyrosine at codon 736 is replaced by cysteine, an amino acid with highly dissimilar properties. This amino acid position is well conserved in available vertebrate species. In addition, the in silico prediction for this alteration is inconclusive. Since supporting evidence is limited at this time, the clinical significance of this alteration remains unclear.